The following is an entry in ClinVar:

ClinVar aggregate classification (germline): Uncertain significance. Review status: criteria provided, multiple submitters, no conflicts (2 of 4 stars). 2 submissions from 2 submitters: Uncertain significance (2). Last evaluated 2021-11-08.

Conditions:
Emery-Dreifuss muscular dystrophy 5, autosomal dominant (EDMD5). Also called: EMERY-DREIFUSS MUSCULAR DYSTROPHY 5. Identifiers: Orphanet 261, MedGen C2751805, MONDO:0013072, OMIM 612999.

Allele frequency attached by ClinVar (database versions not stated): ExAC 0.00001; gnomAD exomes 0.00001 and 0.00002; TOPMed 0.00002; gnomAD 0.00004 and 0.00005.
gnomAD v4.1: 11 of 1,614,068 alleles (0.00068%); highest among the groups gnomAD compares: Admixed American, 0.018%; no homozygotes.

Submissions (2):

Labcorp Genetics (formerly Invitae), Labcorp
Classification: Uncertain significance for Emery-Dreifuss muscular dystrophy 5, autosomal dominant. Last evaluated: 2021-11-08. Review status: criteria provided, single submitter. Criteria: Invitae Variant Classification Sherloc (09022015). Collection method: clinical testing. Allele origin: germline.
Comment: This variant has not been reported in the literature in individuals affected with SYNE2-related conditions. This variant is present in population databases (rs747991604, gnomAD 0.01%). This sequence change replaces lysine, which is basic and polar, with glutamine, which is neutral and polar, at codon 3326 of the SYNE2 protein (p.Lys3326Gln). Algorithms developed to predict the effect of missense changes on protein structure and function output the following: SIFT: "Tolerated"; PolyPhen-2: "Benign"; Align-GVGD: "Class C0". The glutamine amino acid residue is found in multiple mammalian species, which suggests that this missense change does not adversely affect protein function. In summary, the available evidence is currently insufficient to determine the role of this variant in disease. Therefore, it has been classified as a Variant of Uncertain Significance.

Revvity Omics, Revvity
Classification: Uncertain significance for Emery-Dreifuss muscular dystrophy 5, autosomal dominant. Last evaluated: 2019-06-12. Review status: criteria provided, single submitter. Criteria: ACMG Guidelines, 2015. Collection method: clinical testing. Allele origin: germline.

NM_182914.3(SYNE2):c.9976A>C (p.Lys3326Gln)

Gene: SYNE2 (spectrin repeat containing nuclear envelope protein 2; plus strand). Cytogenetic location: 14q23.2.
Variant type: single nucleotide variant.
Coding change: c.9976A>C on transcript NM_182914.3 (MANE Select); coding-DNA position 9976, A replaced by C.
Protein change: p.Lys3326Gln; replaces lysine 3326 with glutamine.
Molecular consequence: missense variant.
Genome position (GRCh38, 1-based): chr14:64,056,175, A>C. VCF-style: chr14-64056175-A-C. GRCh37 (hg19) VCF-style: chr14-64522893-A-C.
Other names: c.9976A>C, p.Lys3326Gln (NM_015180.6); c.9976A>C (NM_182914.2); short protein forms K3326Q.
Identifiers: ClinVar variation 1490955 (VCV001490955.8), dbSNP rs747991604, ClinGen allele CA7221385.